The following is an entry in ClinVar:

NM_001165963.4(SCN1A):c.3121A>G (p.Lys1041Glu)

Genes: SCN1A (sodium voltage-gated channel alpha subunit 1; minus strand), LOC102724058 (uncharacterized LOC102724058; plus strand). Cytogenetic location: 2q24.3.
Variant type: single nucleotide variant.
Coding change: c.3121A>G on transcript NM_001165963.4 (MANE Select); coding-DNA position 3121, A replaced by G.
Protein change: p.Lys1041Glu; replaces lysine 1041 with glutamic acid.
Molecular consequence: missense variant. On other transcripts: non-coding transcript variant (2).
Genome position (GRCh38, 1-based): chr2:166,036,356, T>C on the plus strand (A>G on the coding strand, the complement: SCN1A is on the minus strand). VCF-style: chr2-166036356-T-C. GRCh37 (hg19) VCF-style: chr2-166892866-T-C.
Other names: c.3037A>G, p.Lys1013Glu (NM_001165964.3, NM_001353957.2, NM_001353958.2); c.3121A>G, p.Lys1041Glu (NM_001202435.3, NM_001353948.2); c.3088A>G, p.Lys1030Glu (NM_001353949.2, NM_001353950.2, NM_001353951.2 and 2 more transcripts); c.3085A>G, p.Lys1029Glu (NM_001353954.2, NM_001353955.2); c.3034A>G, p.Lys1012Glu (NM_001353960.2); c.679A>G, p.Lys227Glu (NM_001353961.2); short protein forms K1030E, K1041E, K1013E, K1029E, K227E, K1012E.
Identifiers: ClinVar variation 393218 (VCV000393218.9), dbSNP rs376649518, ClinGen allele CA1943007.

ClinVar aggregate classification (germline): Uncertain significance. Review status: criteria provided, multiple submitters, no conflicts (2 of 4 stars). 2 submissions from 2 submitters: Uncertain significance (2). Last evaluated 2026-02-09.

Conditions:
Early-infantile DEE. Also called: Early infantile epileptic encephalopathy; Ohtahara syndrome; Early infantile epileptic encephalopathy with suppression bursts. Identifiers: Orphanet 1934, MedGen C0393706, MONDO:0800491.

Allele frequency attached by ClinVar (database versions not stated): TOPMed below 0.00001; ExAC 0.00001; gnomAD exomes 0.00001; ESP Exome Variant Server 0.00008.

Submissions (2):

GeneDx
Classification: Uncertain significance. Last evaluated: 2026-02-09. Review status: criteria provided, single submitter. Criteria: GeneDx Variant Classification Process June 2021. Collection method: clinical testing. Allele origin: germline. Affected: yes.
Comment: Not observed at significant frequency in large population cohorts (gnomAD); Has not been previously published as pathogenic or benign to our knowledge; This substitution is predicted to be within the cytoplasmic loop between the second and third homologous domains; In silico analysis supports that this missense variant has a deleterious effect on protein structure/function

Labcorp Genetics (formerly Invitae), Labcorp
Classification: Uncertain significance for Early-infantile DEE. Last evaluated: 2025-05-09. Review status: criteria provided, single submitter. Criteria: Invitae Variant Classification Sherloc (09022015). Collection method: clinical testing. Allele origin: germline.
Comment: This sequence change replaces lysine, which is basic and polar, with glutamic acid, which is acidic and polar, at codon 1041 of the SCN1A protein (p.Lys1041Glu). This variant is present in population databases (rs376649518, gnomAD 0.002%). This variant has not been reported in the literature in individuals affected with SCN1A-related conditions. ClinVar contains an entry for this variant (Variation ID: 393218). Invitae Evidence Modeling of protein sequence and biophysical properties (such as structural, functional, and spatial information, amino acid conservation, physicochemical variation, residue mobility, and thermodynamic stability) indicates that this missense variant is not expected to disrupt SCN1A protein function with a negative predictive value of 95%. In summary, the available evidence is currently insufficient to determine the role of this variant in disease. Therefore, it has been classified as a Variant of Uncertain Significance.